The following is an entry in ClinVar:

ClinVar aggregate classification (germline): Uncertain significance (1 of 4 stars; one submission).

gnomAD v4.1: 3 of 1,614,094 alleles (0.00019%); highest among the groups gnomAD compares: South Asian, 0.0033%; no homozygotes.

Submission:

Ambry Genetics
Classification: Uncertain significance. Last evaluated: 2022-01-11. Review status: criteria provided, single submitter. Criteria: Ambry Variant Classification Scheme 2023. Collection method: clinical testing. Allele origin: germline.
Comment: The p.G516S variant (also known as c.1546G>A), located in coding exon 13 of the NPAT gene, results from a G to A substitution at nucleotide position 1546. The glycine at codon 516 is replaced by serine, an amino acid with similar properties. This amino acid position is conserved. In addition, this alteration is predicted to be tolerated by in silico analysis. Since supporting evidence is limited at this time, the clinical significance of this alteration remains unclear.

NM_002519.3(NPAT):c.1546G>A (p.Gly516Ser)

Gene: NPAT (nuclear protein, coactivator of histone transcription; minus strand). Cytogenetic location: 11q22.3.
Variant type: single nucleotide variant.
Coding change: c.1546G>A on transcript NM_002519.3 (MANE Select); coding-DNA position 1546, G replaced by A.
Protein change: p.Gly516Ser; replaces glycine 516 with serine.
Molecular consequence: missense variant.
Genome position (GRCh38, 1-based): chr11:108,173,438, C>T on the plus strand (G>A on the coding strand, the complement: NPAT is on the minus strand). VCF-style: chr11-108173438-C-T. GRCh37 (hg19) VCF-style: chr11-108044165-C-T.
Other names: c.1546G>A, p.Gly516Ser (NM_001321307.1); short protein forms G516S.
Identifiers: ClinVar variation 1774947 (VCV001774947.2), dbSNP rs1259824082, ClinGen allele CA382514903.